The following is an entry in ClinVar:

NM_000179.3(MSH6):c.246T>A (p.Pro82=)

Genes: MSH6 (mutS homolog 6; plus strand), LOC129933707 (ATAC-STARR-seq lymphoblastoid silent region 11468; plus strand). Cytogenetic location: 2p16.3.
Variant type: single nucleotide variant.
Coding change: c.246T>A on transcript NM_000179.3 (MANE Select); coding-DNA position 246, T replaced by A.
Protein change: p.Pro82=; no amino-acid change (proline 82 retained).
Molecular consequence: synonymous variant. On other transcripts: 5 prime UTR variant (7), non-coding transcript variant (5), intron variant (7).
Genome position (GRCh38, 1-based): chr2:47,783,479, T>A. VCF-style: chr2-47783479-T-A. GRCh37 (hg19) VCF-style: chr2-48010618-T-A.
Other names: c.-491T>A (NM_001281493.2, NM_001406811.1); c.246T>A, p.Pro82= (NM_001406795.1, NM_001406796.1, NM_001406798.1 and 8 more transcripts); c.-83T>A (NM_001406799.1); c.-683T>A (NM_001406807.1); c.-338T>A (NM_001406812.1); c.-749T>A (NM_001406814.1); c.-294T>A (NM_001406816.1); c.-38+248T>A (NM_001406805.1, NM_001406797.1, NM_001406801.1); and 4 more.
Identifiers: ClinVar variation 3903846 (VCV003903846.1).
Genomic context (GRCh38, chr2:47,783,479, plus strand): 5'-CTCCGCGTCACCGCCCAAGGCGAAGAACCTCAACGGAGGGCTGCGGAGATCGGTAGCGCC[T>A]GCTGCCCCCACCAGGTAGCGGGGTGGGGGTGGGGTCGAAGGCGGGGGCATAGCGGCGGGG-3'
Protein context (NP_000170.1, residues 72-92): LNGGLRRSVA[Pro82=]AAPTSCDFSP

ClinVar aggregate classification (germline): Benign (1 of 4 stars; one submission).

Conditions:
Lynch syndrome 5 (LYNCH5). Also called: Colorectal cancer, hereditary nonpolyposis, type 5; Hereditary non-polyposis colorectal cancer, type 5. Identifiers: Orphanet 144, MedGen C1833477, MONDO:0013710, OMIM 614350. Disease mechanism: loss of function.

Submission:

Myriad Genetics, Inc.
Classification: Benign for Lynch syndrome 5. Last evaluated: 2024-12-17. Review status: criteria provided, single submitter. Criteria: Myriad Autosomal Dominant, Autosomal Recessive and X-Linked Classification Criteria (2023). Collection method: clinical testing. Allele origin: unknown.
Comment: This variant is considered benign. This variant is a silent/synonymous amino acid change and it is not expected to impact splicing.